The following is an entry in ClinVar:

NM_033305.3(VPS13A):c.1555del (p.Ser519fs)

Gene: VPS13A (vacuolar protein sorting 13 homolog A; plus strand). Cytogenetic location: 9q21.2.
Variant type: Deletion.
Coding change: c.1555del on transcript NM_033305.3 (MANE Select); coding-DNA position 1555, one base deleted (A; older notation c.1555delA).
Protein change: p.Ser519fs; shifts the reading frame from serine 519.
Molecular consequence: frameshift variant.
Genome position (GRCh38, 1-based): chr9:77,228,224, A deleted. VCF-style (leftmost placement, unchanged base first): chr9-77228223-TA-T. GRCh37 (hg19) VCF-style: chr9-79843139-TA-T.
Other names: c.1555del, p.Ser519fs (NM_001018037.2, NM_001018038.3, NM_015186.4); short protein forms S519fs.
Identifiers: ClinVar variation 4062905 (VCV004062905.2).

ClinVar aggregate classification (germline): Likely pathogenic (1 of 4 stars; one submission).

Conditions:
VPS13A-related neurodegenerative disease. Also called: LEVINE-CRITCHLEY SYNDROME; Choreoacanthocytosis; Chorea-acanthocytosis; VPS13A Disease; Choreaacanthocytosis; ACANTHOCYTOSIS WITH NEUROLOGIC DISORDER. Identifiers: Orphanet 2388, MedGen C0393576, MONDO:0008695, OMIM 200150.

Submission:

Natera, Inc.
Classification: Likely pathogenic for Choreaacanthocytosis. Last evaluated: 2025-05-19. Review status: criteria provided, single submitter. Criteria: Natera Variant Classification Schema (03/2026). Collection method: clinical testing. Allele origin: germline.
Comment: The c.1555del variant in VPS13A is a frameshift variant predicted to shift the reading frame beginning at codon 519 and leads to a stop codon 3 codons downstream. This variant is expected to result in nonsense mediated decay, truncation, or a dysfunctional protein product. This variant is rare in the general population with a frequency below the threshold expected for the associated phenotype(s). Given the available evidence, this variant is classified as Likely Pathogenic.